The following is an entry in ClinVar:

ClinVar aggregate classification (germline): Uncertain significance (1 of 4 stars; one submission).

Submission:

GeneDx
Classification: Uncertain significance. Last evaluated: 2025-06-17. Review status: criteria provided, single submitter. Criteria: GeneDx Variant Classification Process June 2021. Collection method: clinical testing. Allele origin: germline. Affected: yes.
Comment: Not observed at significant frequency in large population cohorts (gnomAD); In silico analysis suggests that this missense variant does not alter protein structure/function; Has not been previously published as pathogenic or benign to our knowledge

NM_139318.5(KCNH5):c.2225A>G (p.Gln742Arg)

Gene: KCNH5 (potassium voltage-gated channel subfamily H member 5; minus strand). Cytogenetic location: 14q23.2.
Variant type: single nucleotide variant.
Coding change: c.2225A>G on transcript NM_139318.5 (MANE Select); coding-DNA position 2225, A replaced by G.
Protein change: p.Gln742Arg; replaces glutamine 742 with arginine.
Molecular consequence: missense variant. On other transcripts: 3 prime UTR variant (1).
Genome position (GRCh38, 1-based): chr14:62,708,250, T>C on the plus strand (A>G on the coding strand, the complement: KCNH5 is on the minus strand). VCF-style: chr14-62708250-T-C. GRCh37 (hg19) VCF-style: chr14-63174968-T-C.
Other names: c.*192A>G (NM_172375.3); short protein forms Q742R.
Identifiers: ClinVar variation 4538717 (VCV004538717.1).